The following is an entry in ClinVar:

NM_000135.4(FANCA):c.1809dup (p.Ile604fs)

Gene: FANCA (FA complementation group A; minus strand). Cytogenetic location: 16q24.3.
Variant type: Duplication.
Coding change: c.1809dup on transcript NM_000135.4 (MANE Select); coding-DNA position 1809, one base duplicated (T; older notation c.1809dupT).
Protein change: p.Ile604fs; shifts the reading frame from isoleucine 604.
Molecular consequence: frameshift variant.
Genome position (GRCh38, 1-based): chr16:89,778,818, A duplicated on the plus strand (T on the coding strand, the reverse complement: FANCA is on the minus strand); the first of 3 consecutive A bases (chr16:89,778,818-89,778,820); duplicating any one gives the same sequence. VCF-style (leftmost placement, unchanged base first): chr16-89778817-T-TA. GRCh37 (hg19) VCF-style: chr16-89845225-T-TA.
Other names: c.1809dupT (NM_000135.2); c.1809dup (LRG_495t1); c.1809dup, p.Ile604fs (NM_001286167.3); short protein forms I604fs.
Identifiers: ClinVar variation 456084 (VCV000456084.7), dbSNP rs1343140664, ClinGen allele CA624252385.

ClinVar aggregate classification (germline): Pathogenic/Likely pathogenic. Review status: criteria provided, multiple submitters, no conflicts (2 of 4 stars). 2 submissions from 2 submitters: Pathogenic (1); Likely pathogenic (1). Last evaluated 2022-02-02.

Conditions:
Fanconi anemia (FA). Also called: Fanconi's anemia. Identifiers: Orphanet 84, MedGen C0015625, MeSH D005199, MONDO:0019391.
Fanconi anemia complementation group A (FANCA). Also called: Fanconi anemia, group A; FANCA-Related Fanconi Anemia. Identifiers: Orphanet 84, MedGen C3469521, MONDO:0009215, OMIM 227650.

Submissions (2):

Labcorp Genetics (formerly Invitae), Labcorp
Classification: Pathogenic for Fanconi anemia. Last evaluated: 2022-02-02. Review status: criteria provided, single submitter. Criteria: Invitae Variant Classification Sherloc (09022015). Collection method: clinical testing. Allele origin: germline.
Comment: For these reasons, this variant has been classified as Pathogenic. ClinVar contains an entry for this variant (Variation ID: 456084). This variant has not been reported in the literature in individuals affected with FANCA-related conditions. This variant is present in population databases (no rsID available, gnomAD 0.0009%). This sequence change creates a premature translational stop signal (p.Ile604Tyrfs*9) in the FANCA gene. It is expected to result in an absent or disrupted protein product. Loss-of-function variants in FANCA are known to be pathogenic (PMID: 19367192).

Fulgent Genetics
Classification: Likely pathogenic for Fanconi anemia complementation group A. Last evaluated: 2021-08-30. Review status: criteria provided, single submitter. Criteria: ACMG Guidelines, 2015. Collection method: clinical testing. Allele origin: unknown.

Literature cited by the submitters: PubMed 19367192 (cited by Labcorp Genetics (formerly Invitae), Labcorp).